The following is an entry in ClinVar:

ClinVar aggregate classification (germline): Uncertain significance (1 of 4 stars; one submission).

Conditions:
Cardiovascular phenotype. Identifiers: MedGen CN230736.

Submission:

Ambry Genetics
Classification: Uncertain significance for Cardiovascular phenotype. Last evaluated: 2025-03-25. Review status: criteria provided, single submitter. Criteria: Ambry Variant Classification Scheme 2023. Collection method: clinical testing. Allele origin: germline.
Comment: The p.K246N variant (also known as c.738G>C), located in coding exon 2 of the GATA4 gene, results from a G to C substitution at nucleotide position 738. The lysine at codon 246 is replaced by asparagine, an amino acid with similar properties. This amino acid position is conserved. In addition, this alteration is predicted to be deleterious by in silico analysis. Based on the available evidence, the clinical significance of this variant remains unclear.

NM_001308093.3(GATA4):c.741G>C (p.Lys247Asn)

Gene: GATA4 (GATA binding protein 4). Cytogenetic location: 8p23.1.
Variant type: single nucleotide variant.
Coding change: c.741G>C on transcript NM_001308093.3 (MANE Select); coding-DNA position 741, G replaced by C.
Protein change: p.Lys247Asn; replaces lysine 247 with asparagine.
Molecular consequence: missense variant.
Genome position (GRCh38, 1-based): chr8:11,749,040, G>C. VCF-style: chr8-11749040-G-C. GRCh37 (hg19) VCF-style: chr8-11606549-G-C.
Other names: c.120G>C, p.Lys40Asn (NM_001308094.2, NM_001374273.1, NM_001374274.1); c.738G>C, p.Lys246Asn (NM_002052.5); short protein forms K246N, K247N, K40N.
Identifiers: ClinVar variation 4028529 (VCV004028529.1).